The following is an entry in ClinVar:

ClinVar aggregate classification (germline): Pathogenic/Likely pathogenic. Review status: criteria provided, multiple submitters, no conflicts (2 of 4 stars). 3 submissions from 3 submitters: Pathogenic (2); Likely pathogenic (1). Last evaluated 2026-03-11.

Conditions:
Dilated cardiomyopathy 1G (CMD1G). Identifiers: Orphanet 154, MedGen C1858763, MONDO:0011400, OMIM 604145.
Autosomal recessive limb-girdle muscular dystrophy type 2J (LGMDR10). Also called: Limb-girdle muscular dystrophy, type 2J; MUSCULAR DYSTROPHY, LIMB-GIRDLE, AUTOSOMAL RECESSIVE 10. Identifiers: Orphanet 140922, MedGen C1837342, MONDO:0012127, OMIM 608807.
Cardiovascular phenotype. Identifiers: MedGen CN230736.

Allele frequency attached by ClinVar (database versions not stated): gnomAD exomes below 0.00001.
gnomAD v4.1: 1 of 1,613,876 alleles (0.000062%); highest among the groups gnomAD compares: Non-Finnish European, 0.000085%; no homozygotes.

Submissions (3):

Ambry Genetics
Classification: Pathogenic for Cardiovascular phenotype. Last evaluated: 2026-03-11. Review status: criteria provided, single submitter. Criteria: Ambry Variant Classification Scheme 2023. Collection method: clinical testing. Allele origin: germline.
Comment: The c.65464C>T (p.Q21822*) alteration, located in exon 167 (coding exon 166) of the TTN gene, consists of a C to T substitution at nucleotide position 65464. This changes the amino acid from a glutamine (Q) to a stop codon at amino acid position 21822. This variant is expected to result in loss of function by premature protein truncation or nonsense-mediated mRNA decay. The Genome Aggregation Database (gnomAD) data for this variant is unreliable due to technical and/or biological issues; therefore, population frequency estimates were not considered. This variant was reported in individual(s) with features consistent with dilated cardiomyopathy (external communication; Ambry internal data). This exon is located in the A-band region of the N2-B isoform of the titin protein and is constitutively expressed in TTN transcripts (percent spliced in or PSI 100%). While truncating variants in TTN are present in 1-3% of the general population, truncating variants in the A-band are the most common cause of dilated cardiomyopathy (Herman, 2012; Roberts, 2015). TTN truncating variants encoded in constitutive exons (PSI >90%) have been found to be significantly associated with DCM regardless of their position in titin (Schafer, 2017; Akhtar, 2020; Massier, 2025). Based on the available evidence, this alteration is classified as pathogenic.

Labcorp Genetics (formerly Invitae), Labcorp
Classification: Likely pathogenic for Dilated cardiomyopathy 1G; Autosomal recessive limb-girdle muscular dystrophy type 2J. Last evaluated: 2025-12-19. Review status: criteria provided, single submitter. Criteria: Invitae Variant Classification Sherloc (09022015). Collection method: clinical testing. Allele origin: germline.
Comment: This sequence change creates a premature translational stop signal (p.Gln30887*) in the TTN gene. While this is not anticipated to result in nonsense mediated decay, it is expected to create a truncated TTN protein. This variant is not present in population databases (gnomAD no frequency). This premature translational stop signal has been observed in individual(s) with dilated cardiomyopathy (internal data). ClinVar contains an entry for this variant (Variation ID: 857482). This variant is located in the A band of TTN (PMID: 25589632). Truncating variants in this region are significantly overrepresented in patients affected with dilated cardiomyopathy (PMID: 25589632). Truncating variants in this region have also been reported in individuals affected with autosomal recessive centronuclear myopathy (PMID: 23975875). In summary, the currently available evidence indicates that the variant is pathogenic, but additional data are needed to prove that conclusively. Therefore, this variant has been classified as Likely Pathogenic.

Mayo Clinic Laboratories, Mayo Clinic
Classification: Pathogenic. Last evaluated: 2021-12-16. Review status: criteria provided, single submitter. Criteria: ACMG Guidelines, 2015. Collection method: clinical testing. Allele origin: germline.
Comment: PM2, PS4_moderate, PVS1

Literature cited by the submitters: PubMed 22335739 (cited by Ambry Genetics); PubMed 25589632 (cited by Ambry Genetics and Labcorp Genetics (formerly Invitae), Labcorp); PubMed 27869827 (cited by Ambry Genetics); PubMed 32964742 (cited by Ambry Genetics); PubMed 39844436 (cited by Ambry Genetics); PubMed 23975875 (cited by Labcorp Genetics (formerly Invitae), Labcorp).

NM_001267550.2(TTN):c.92659C>T (p.Gln30887Ter)

Genes: TTN (titin; minus strand), TTN-AS1 (TTN antisense RNA 1; plus strand). Cytogenetic location: 2q31.2.
Variant type: single nucleotide variant.
Coding change: c.92659C>T on transcript NM_001267550.2 (MANE Select); coding-DNA position 92659, C replaced by T.
Protein change: p.Gln30887Ter; replaces glutamine 30887 with a stop codon.
Molecular consequence: nonsense.
Genome position (GRCh38, 1-based): chr2:178,548,967, G>A on the plus strand (C>T on the coding strand, the complement: TTN is on the minus strand). VCF-style: chr2-178548967-G-A. GRCh37 (hg19) VCF-style: chr2-179413694-G-A.
Other names: p.Gln29246*; c.87736C>T, p.Gln29246Ter (NM_001256850.1); c.65464C>T, p.Gln21822Ter (NM_003319.4); c.84955C>T, p.Gln28319Ter (NM_133378.4); c.65839C>T, p.Gln21947Ter (NM_133432.3); c.66040C>T, p.Gln22014Ter (NM_133437.4); short protein forms Q21947*, Q28319*, Q21822*, Q22014*, Q29246*, Q30887*.
Identifiers: ClinVar variation 857482 (VCV000857482.14), dbSNP rs1305222903, ClinGen allele CA349492067.